The following is an entry in ClinVar:

ClinVar aggregate classification (germline): Pathogenic (1 of 4 stars; one submission).

Allele frequency attached by ClinVar (database versions not stated): gnomAD exomes below 0.00001; ExAC 0.00001; ESP Exome Variant Server 0.00008.

Submission:

Labcorp Genetics (formerly Invitae), Labcorp
Classification: Pathogenic. Last evaluated: 2023-05-15. Review status: criteria provided, single submitter. Criteria: Invitae Variant Classification Sherloc (09022015). Collection method: clinical testing. Allele origin: germline.
Comment: This sequence change creates a premature translational stop signal (p.Asp226Glyfs*9) in the MECR gene. It is expected to result in an absent or disrupted protein product. Loss-of-function variants in MECR are known to be pathogenic (PMID: 27817865). This variant is not present in population databases (gnomAD no frequency). This variant has not been reported in the literature in individuals affected with MECR-related conditions. For these reasons, this variant has been classified as Pathogenic.

Literature cited by the submitters: PubMed 27817865.

NM_016011.5(MECR):c.676dup (p.Asp226fs)

Gene: MECR (mitochondrial trans-2-enoyl-CoA reductase; minus strand). Cytogenetic location: 1p35.3.
Variant type: Duplication.
Coding change: c.676dup on transcript NM_016011.5 (MANE Select); coding-DNA position 676, one base duplicated (G; older notation c.676dupG).
Protein change: p.Asp226fs; shifts the reading frame from aspartic acid 226.
Molecular consequence: frameshift variant. On other transcripts: non-coding transcript variant (4).
Genome position (GRCh38, 1-based): chr1:29,202,023, C duplicated on the plus strand (G on the coding strand, the reverse complement: MECR is on the minus strand). VCF-style (leftmost placement, unchanged base first): chr1-29202022-T-TC. GRCh37 (hg19) VCF-style: chr1-29528534-T-TC.
Other names: c.448dup, p.Asp150fs (NM_001024732.4, NM_001349711.2, NM_001349712.2 and 2 more transcripts); c.781dup, p.Asp261fs (NM_001349715.2); c.760dup, p.Asp254fs (NM_001349716.2); c.526dup, p.Asp176fs (NM_001349717.2); short protein forms D261fs, D150fs, D254fs, D176fs, D226fs.
Identifiers: ClinVar variation 2870640 (VCV002870640.3), dbSNP rs779356849, ClinGen allele CA725732.
Genomic context (GRCh38, chr1:29,202,022, plus strand): 5'-TCGGGCCTTCTTAGCTCCTCTTCTGTGATGACATGCTCAGCCCCCAGACTCTTCAGTCTG[T>TC]CACTCAGCTTCTGGATATCAGGTCTGGAAACCAAACATAGGTCCCTGGTCACATCTGCCA-3'